The following is an entry in ClinVar:

NM_002335.4(LRP5):c.2216C>G (p.Thr739Ser)

Gene: LRP5 (LDL receptor related protein 5; plus strand). Cytogenetic location: 11q13.2.
Variant type: single nucleotide variant.
Coding change: c.2216C>G on transcript NM_002335.4 (MANE Select); coding-DNA position 2216, C replaced by G.
Protein change: p.Thr739Ser; replaces threonine 739 with serine.
Molecular consequence: missense variant.
Genome position (GRCh38, 1-based): chr11:68,410,038, C>G. VCF-style: chr11-68410038-C-G. GRCh37 (hg19) VCF-style: chr11-68177506-C-G.
Other names: c.473C>G, p.Thr158Ser (NM_001291902.2); short protein forms T739S, T158S.
Identifiers: ClinVar variation 857651 (VCV000857651.9), dbSNP rs2098658532, ClinGen allele CA381616529.

ClinVar aggregate classification (germline): Uncertain significance (1 of 4 stars; one submission).

Allele frequency attached by ClinVar (database versions not stated): gnomAD exomes below 0.00001.

Submission:

Labcorp Genetics (formerly Invitae), Labcorp
Classification: Uncertain significance. Last evaluated: 2019-12-17. Review status: criteria provided, single submitter. Criteria: Invitae Variant Classification Sherloc (09022015). Collection method: clinical testing. Allele origin: germline.
Comment: Algorithms developed to predict the effect of missense changes on protein structure and function are either unavailable or do not agree on the potential impact of this missense change (SIFT: "Deleterious"; PolyPhen-2: "Benign"; Align-GVGD: "Class C55"). This variant has not been reported in the literature in individuals with LRP5-related conditions. This variant is not present in population databases (ExAC no frequency). This sequence change replaces threonine with serine at codon 739 of the LRP5 protein (p.Thr739Ser). The threonine residue is highly conserved and there is a small physicochemical difference between threonine and serine. In summary, the available evidence is currently insufficient to determine the role of this variant in disease. Therefore, it has been classified as a Variant of Uncertain Significance.